The following is an entry in ClinVar:

NM_001146079.2(CLDN14):c.559G>T (p.Asp187Tyr)

Genes: CLDN14-AS1 (CLDN14 antisense RNA 1; plus strand), CLDN14 (claudin 14; minus strand). Cytogenetic location: 21q22.13.
Variant type: single nucleotide variant.
Coding change: c.559G>T on transcript NM_001146079.2 (MANE Select); coding-DNA position 559, G replaced by T.
Protein change: p.Asp187Tyr; replaces aspartic acid 187 with tyrosine.
Molecular consequence: missense variant.
Genome position (GRCh38, 1-based): chr21:36,461,137, C>A on the plus strand (G>T on the coding strand, the complement: CLDN14 is on the minus strand). VCF-style: chr21-36461137-C-A. GRCh37 (hg19) VCF-style: chr21-37833435-C-A.
Other names: c.559G>T, p.Asp187Tyr (NM_001146077.2, NM_001146078.3, NM_012130.4 and 1 more transcripts); short protein forms D187Y.
Identifiers: ClinVar variation 228520 (VCV000228520.6), dbSNP rs375904468, ClinGen allele CA10019232.

ClinVar aggregate classification (germline): Uncertain significance. Review status: criteria provided, multiple submitters, no conflicts (2 of 4 stars). 2 submissions from 2 submitters: Uncertain significance (2). Last evaluated 2022-04-11.

Allele frequency attached by ClinVar (database versions not stated): ExAC 0.00003; gnomAD exomes 0.00004; ESP Exome Variant Server 0.00008; TOPMed 0.00016; gnomAD 0.00023 and 0.00025.
gnomAD v4.1: 50 of 1,613,774 alleles (0.0031%); highest among the groups gnomAD compares: African/African-American, 0.057%; no homozygotes.

Submissions (2):

GeneDx
Classification: Uncertain significance. Last evaluated: 2022-04-11. Review status: criteria provided, single submitter. Criteria: GeneDx Variant Classification Process June 2021. Collection method: clinical testing. Allele origin: germline. Affected: yes.
Comment: In silico analysis supports that this missense variant does not alter protein structure/function; Has not been previously published as pathogenic or benign to our knowledge

Laboratory for Molecular Medicine, Mass General Brigham Personalized Medicine
Classification: Uncertain significance. Last evaluated: 2015-02-26. Review status: criteria provided, single submitter. Criteria: LMM Criteria. Collection method: clinical testing. Allele origin: germline. Observed: 1 variant allele.
Comment: The p.Asp187Tyr variant in CLDN14 has not been previously reported in individual s with hearing loss. This variant has been identified in 3/10364 of African chr omosomes by the Exome Aggregation Consortium (ExAC, rg; dbSNP rs375904468). Although this variant has been seen in the general popu lation, its frequency is not high enough to rule out a pathogenic role. Computat ional prediction tools and conservation analysis suggest that this variant may n ot impact the protein, though this information is not predictive enough to rule out pathogenicity. In summary, the clinical significance of the p.Asp187Tyr vari ant is uncertain.